The following is an entry in ClinVar:

ClinVar aggregate classification (germline): Uncertain significance (1 of 4 stars; one submission).

Conditions:
Familial adenomatous polyposis 1 (FAP1). Also called: FAMILIAL ADENOMATOUS POLYPOSIS 1, ATTENUATED; POLYPOSIS, ADENOMATOUS INTESTINAL. Identifiers: MedGen C2713442, MONDO:0021056, OMIM 175100. Disease mechanism: loss of function.

Submission:

Labcorp Genetics (formerly Invitae), Labcorp
Classification: Uncertain significance for Familial adenomatous polyposis 1. Last evaluated: 2024-04-15. Review status: criteria provided, single submitter. Criteria: Invitae Variant Classification Sherloc (09022015). Collection method: clinical testing. Allele origin: germline.
Comment: This sequence change replaces lysine, which is basic and polar, with threonine, which is neutral and polar, at codon 2157 of the APC protein (p.Lys2157Thr). This variant is not present in population databases (gnomAD no frequency). This variant has not been reported in the literature in individuals affected with APC-related conditions. Advanced modeling of protein sequence and biophysical properties (such as structural, functional, and spatial information, amino acid conservation, physicochemical variation, residue mobility, and thermodynamic stability) performed at Invitae indicates that this missense variant is not expected to disrupt APC protein function with a negative predictive value of 95%. In summary, the available evidence is currently insufficient to determine the role of this variant in disease. Therefore, it has been classified as a Variant of Uncertain Significance.

NM_000038.6(APC):c.6470A>C (p.Lys2157Thr)

Gene: APC (APC regulator of Wnt signaling pathway; plus strand). Cytogenetic location: 5q22.2.
Variant type: single nucleotide variant.
Coding change: c.6470A>C on transcript NM_000038.6 (MANE Select); coding-DNA position 6470, A replaced by C.
Protein change: p.Lys2157Thr; replaces lysine 2157 with threonine.
Molecular consequence: missense variant. On other transcripts: non-coding transcript variant (2).
Genome position (GRCh38, 1-based): chr5:112,842,064, A>C. VCF-style: chr5-112842064-A-C. GRCh37 (hg19) VCF-style: chr5-112177761-A-C.
Other names: c.6470A>C, p.Lys2157Thr (NM_001127510.3, NM_001354895.2, NM_001407450.1); c.6416A>C, p.Lys2139Thr (NM_001127511.3); c.6524A>C, p.Lys2175Thr (NM_001354896.2, NM_001407447.1, NM_001407448.1 and 1 more transcripts); c.6500A>C, p.Lys2167Thr (NM_001354897.2); c.6395A>C, p.Lys2132Thr (NM_001354898.2); c.6386A>C, p.Lys2129Thr (NM_001354899.2); c.6347A>C, p.Lys2116Thr (NM_001354900.2); c.6293A>C, p.Lys2098Thr (NM_001354901.2, NM_001407453.1); and 11 more; short protein forms K1874T, K2066T, K2098T, K2116T, K2150T, K2175T, K1773T, K2031T.
Identifiers: ClinVar variation 3635503 (VCV003635503.2).